The following is an entry in ClinVar:

NM_000088.4(COL1A1):c.2990del (p.Pro997fs)

Gene: COL1A1 (collagen type I alpha 1 chain; minus strand). Cytogenetic location: 17q21.33.
Variant type: Deletion.
Coding change: c.2990del on transcript NM_000088.4 (MANE Select); coding-DNA position 2990, one base deleted (C; older notation c.2990delC).
Protein change: p.Pro997fs; shifts the reading frame from proline 997.
Molecular consequence: frameshift variant.
Genome position (GRCh38, 1-based): chr17:50,188,958, G deleted on the plus strand (C on the coding strand, the reverse complement: COL1A1 is on the minus strand); the first of 5 consecutive G bases (chr17:50,188,958-50,188,962); deleting any one gives the same sequence. VCF-style (leftmost placement, unchanged base first): chr17-50188957-AG-A. GRCh37 (hg19) VCF-style: chr17-48266318-AG-A.
Other names: c.2990delC (NM_000088.3); short protein forms P997fs.
Identifiers: ClinVar variation 803432 (VCV000803432.12), dbSNP rs1598288648, ClinGen allele CA915950601.

ClinVar aggregate classification (germline): Pathogenic. Review status: criteria provided, multiple submitters, no conflicts (2 of 4 stars). 4 submissions from 4 submitters: Pathogenic (3). 1 of the submissions does not count toward it. Last evaluated 2025-09-10.

Conditions:
COL1A1-related disorder. Also called: COL1A1- related disease; COL1A1-related condition.
Osteogenesis imperfecta type I (OI1). Also called: Lobstein disease; OI, TYPE I; OSTEOGENESIS IMPERFECTA TARDA; OSTEOGENESIS IMPERFECTA WITH BLUE SCLERAE; Classic Non-deforming Osteogenesis Imperfecta with Blue Sclerae; Osteogenesis imperfecta type 1. Identifiers: Orphanet 216796, Orphanet 666, MedGen C0023931, MONDO:0008146, OMIM 166200. Disease mechanism: loss of function.

Submissions (4):

Labcorp Genetics (formerly Invitae), Labcorp
Classification: Pathogenic for Osteogenesis imperfecta type I. Last evaluated: 2025-09-10. Review status: criteria provided, single submitter. Criteria: Invitae Variant Classification Sherloc (09022015). Collection method: clinical testing. Allele origin: germline.
Comment: This sequence change creates a premature translational stop signal (p.Pro997Leufs*111) in the COL1A1 gene. It is expected to result in an absent or disrupted protein product. Loss-of-function variants in COL1A1 are known to be pathogenic (PMID: 7942841, 9295084, 9443882). This variant is not present in population databases (gnomAD no frequency). This premature translational stop signal has been observed in individual(s) with osteogenesis imperfecta (PMID: 30886339). ClinVar contains an entry for this variant (Variation ID: 803432). For these reasons, this variant has been classified as Pathogenic.

Mendelics
Classification: Pathogenic for Osteogenesis imperfecta type I. Last evaluated: 2019-05-28. Review status: criteria provided, single submitter. Criteria: Mendelics Assertion Criteria 2017. Collection method: clinical testing. Allele origin: unknown.

Clinical Biomedical Laboratory, Shriners Hospital For Children - Canada
Classification: Pathogenic for Osteogenesis imperfecta type I. Review status: criteria provided, single submitter. Criteria: ACMG Guidelines, 2015. Collection method: clinical testing. Allele origin: germline. Affected: yes.
Comment: This variant is predicted to substitute a proline residue by a leucine residue and introduce a stop codon 111 amino acids downstream. This is expected to lead to degradation of the affected transcript and loss of function of the affected allele. This variant is absent from the Genome Aggregation Database (v2.1.1.), indicating it is very rare. Based on the ACMG variant interpretation guidelines (criteria: PVS1, PS4, PM2), the available evidence supports classification of this variant as pathogenic.

PreventionGenetics, part of Exact Sciences
Classification: Pathogenic for COL1A1-related condition. Last evaluated: 2024-09-19. Review status: no assertion criteria provided. Collection method: clinical testing. Allele origin: germline. Not counted in ClinVar's aggregate classification.
Comment: The COL1A1 c.2990delC variant is predicted to result in a frameshift and premature protein termination (p.Pro997Leufs*111). This variant has been reported in two individuals with osteogenesis imperfecta (Additional file 1, Maioli et al. 2019. PubMed ID: 30886339). This variant has not been reported in a large population database, indicating this variant is rare. Frameshift variants in COL1A1 are expected to be pathogenic. This variant is interpreted as pathogenic.

Literature cited by the submitters: PubMed 7942841 (cited by Labcorp Genetics (formerly Invitae), Labcorp); PubMed 9295084 (cited by Labcorp Genetics (formerly Invitae), Labcorp); PubMed 9443882 (cited by Labcorp Genetics (formerly Invitae), Labcorp); PubMed 30886339 (cited by Labcorp Genetics (formerly Invitae), Labcorp).